The following is an entry in ClinVar:

NM_002972.4(SBF1):c.5185C>G (p.Pro1729Ala)

Gene: SBF1 (SET binding factor 1; minus strand). Cytogenetic location: 22q13.33.
Variant type: single nucleotide variant.
Coding change: c.5185C>G on transcript NM_002972.4 (MANE Select); coding-DNA position 5185, C replaced by G.
Protein change: p.Pro1729Ala; replaces proline 1729 with alanine.
Molecular consequence: missense variant.
Genome position (GRCh38, 1-based): chr22:50,448,411, G>C on the plus strand (C>G on the coding strand, the complement: SBF1 is on the minus strand). VCF-style: chr22-50448411-G-C. GRCh37 (hg19) VCF-style: chr22-50886840-G-C.
Other names: c.5110C>G, p.Pro1704Ala (NM_001365819.1); c.5188C>G, p.Pro1730Ala (NM_001410794.1); c.5107C>G, p.Pro1703Ala (NM_001410795.1); c.5185C>G, p.Pro1729Ala (NM_197971.1); short protein forms P1704A, P1703A, P1729A, P1730A.
Identifiers: ClinVar variation 1917657 (VCV001917657.5), dbSNP rs780818687, ClinGen allele CA10315935.

ClinVar aggregate classification (germline): Uncertain significance (1 of 4 stars; one submission).

Allele frequency attached by ClinVar (database versions not stated): TOPMed below 0.00001; ExAC 0.00001; gnomAD 0.00001.

Submission:

Labcorp Genetics (formerly Invitae), Labcorp
Classification: Uncertain significance. Last evaluated: 2023-07-07. Review status: criteria provided, single submitter. Criteria: Invitae Variant Classification Sherloc (09022015). Collection method: clinical testing. Allele origin: germline.
Comment: This sequence change replaces proline, which is neutral and non-polar, with alanine, which is neutral and non-polar, at codon 1729 of the SBF1 protein (p.Pro1729Ala). This variant is not present in population databases (gnomAD no frequency). This variant has not been reported in the literature in individuals affected with SBF1-related conditions. ClinVar contains an entry for this variant (Variation ID: 1917657). Advanced modeling of protein sequence and biophysical properties (such as structural, functional, and spatial information, amino acid conservation, physicochemical variation, residue mobility, and thermodynamic stability) performed at Invitae indicates that this missense variant is not expected to disrupt SBF1 protein function. Algorithms developed to predict the effect of sequence changes on RNA splicing suggest that this variant may disrupt the consensus splice site. In summary, the available evidence is currently insufficient to determine the role of this variant in disease. Therefore, it has been classified as a Variant of Uncertain Significance.